The following is an entry in ClinVar:

ClinVar aggregate classification (germline): Uncertain significance. Review status: criteria provided, multiple submitters, no conflicts (2 of 4 stars). 3 submissions from 3 submitters: Uncertain significance (3). Last evaluated 2025-11-10.

Conditions:
Inborn genetic diseases. Identifiers: MedGen C0950123, MeSH D030342.
EPS8-related disorder. Also called: EPS8-related condition.

Allele frequency attached by ClinVar (database versions not stated): gnomAD 0.00001; ExAC 0.00004; gnomAD exomes 0.00006.

Submissions (3):

Labcorp Genetics (formerly Invitae), Labcorp
Classification: Uncertain significance. Last evaluated: 2025-11-10. Review status: criteria provided, single submitter. Criteria: Invitae Variant Classification Sherloc (09022015). Collection method: clinical testing. Allele origin: germline.
Comment: This sequence change replaces aspartic acid, which is acidic and polar, with valine, which is neutral and non-polar, at codon 729 of the EPS8 protein (p.Asp729Val). This variant is present in population databases (rs777353447, gnomAD 0.01%). This variant has not been reported in the literature in individuals affected with EPS8-related conditions. ClinVar contains an entry for this variant (Variation ID: 1346964). Invitae Evidence Modeling of protein sequence and biophysical properties (such as structural, functional, and spatial information, amino acid conservation, physicochemical variation, residue mobility, and thermodynamic stability) indicates that this missense variant is not expected to disrupt EPS8 protein function with a negative predictive value of 80%. In summary, the available evidence is currently insufficient to determine the role of this variant in disease. Therefore, it has been classified as a Variant of Uncertain Significance.

Ambry Genetics
Classification: Uncertain significance for Inborn genetic diseases. Last evaluated: 2025-09-05. Review status: criteria provided, single submitter. Criteria: Ambry Variant Classification Scheme 2023. Collection method: clinical testing. Allele origin: germline.

PreventionGenetics, part of Exact Sciences
Classification: Uncertain significance for EPS8-related condition. Last evaluated: 2025-06-28. Review status: criteria provided, single submitter. Criteria: ACMG Guidelines, 2015. Collection method: clinical testing. Allele origin: germline.
Comment: The EPS8 c.2186A>T variant is predicted to result in the amino acid substitution p.Asp729Val. To our knowledge, this variant has not been reported in the literature. This variant is reported in 0.013% of alleles in individuals of European (Non-Finnish) descent in gnomAD. At this time, the clinical significance of this variant is uncertain due to the absence of conclusive functional and genetic evidence.

NM_004447.6(EPS8):c.2186A>T (p.Asp729Val)

Gene: EPS8 (EGFR pathway substrate 8, signaling adaptor; minus strand). Cytogenetic location: 12p12.3.
Variant type: single nucleotide variant.
Coding change: c.2186A>T on transcript NM_004447.6 (MANE Select); coding-DNA position 2186, A replaced by T.
Protein change: p.Asp729Val; replaces aspartic acid 729 with valine.
Molecular consequence: missense variant.
Genome position (GRCh38, 1-based): chr12:15,624,266, T>A on the plus strand (A>T on the coding strand, the complement: EPS8 is on the minus strand). VCF-style: chr12-15624266-T-A. GRCh37 (hg19) VCF-style: chr12-15777200-T-A.
Other names: c.2186A>T (NM_004447.5); short protein forms D729V.
Identifiers: ClinVar variation 1346964 (VCV001346964.10), dbSNP rs777353447, ClinGen allele CA6467340.